The following is an entry in ClinVar:

ClinVar aggregate classification (germline): Likely benign (1 of 4 stars; one submission).

Conditions:
Familial cancer of breast. Also called: hereditary breast carcinoma; Hereditary breast cancer; BREAST CANCER, FAMILIAL. Identifiers: Orphanet 227535, MedGen C0346153, MONDO:0016419, OMIM 114480. Disease mechanism: loss of function.

Submission:

Myriad Genetics, Inc.
Classification: Likely benign for Familial cancer of breast. Last evaluated: 2024-08-21. Review status: criteria provided, single submitter. Criteria: Myriad Autosomal Dominant, Autosomal Recessive and X-Linked Classification Criteria (2023). Collection method: clinical testing. Allele origin: unknown.
Comment: This variant is considered likely benign. This variant is intronic and is not expected to impact mRNA splicing.

NM_032043.3(BRIP1):c.628-13T>C

Gene: BRIP1 (BRCA1 interacting DNA helicase 1; minus strand). Cytogenetic location: 17q23.2.
Variant type: single nucleotide variant.
Coding change: c.628-13T>C on transcript NM_032043.3 (MANE Select); 13 bases into the intron before coding-DNA position 628, T replaced by C.
Molecular consequence: intron variant.
Genome position (GRCh38, 1-based): chr17:61,808,770, A>G on the plus strand (T>C on the coding strand, the complement: BRIP1 is on the minus strand). VCF-style: chr17-61808770-A-G. GRCh37 (hg19) VCF-style: chr17-59886131-A-G.
Identifiers: ClinVar variation 3378941 (VCV003378941.1).